The following is an entry in ClinVar:

ClinVar aggregate classification (germline): Conflicting classifications of pathogenicity. Review status: criteria provided, conflicting classifications (1 of 4 stars). 6 submissions from 6 submitters: Uncertain significance (5); Likely benign (1). Last evaluated 2024-12-18.

Conditions:
Bardet-Biedl syndrome 14 (BBS14). Identifiers: Orphanet 110, MedGen C2673874, MONDO:0014442, OMIM 615991.
Leber congenital amaurosis 10 (LCA10). Identifiers: Orphanet 65, MedGen C1857821, MONDO:0012723, OMIM 611755.
Meckel syndrome, type 4 (MKS4). Also called: MECKEL-GRUBER SYNDROME, TYPE 4. Identifiers: Orphanet 564, MedGen C1970161, MONDO:0012626, OMIM 611134.
Senior-Loken syndrome 6 (SLSN6). Identifiers: Orphanet 3156, MedGen C1857779, MONDO:0012433, OMIM 610189.
Joubert syndrome 5 (JBTS5). Identifiers: Orphanet 2318, MedGen C1857780, MONDO:0012432, OMIM 610188.
Inborn genetic diseases. Identifiers: MedGen C0950123, MeSH D030342.
Joubert syndrome. Also called: Familial aplasia of the vermis; JOUBERT-BOLTSHAUSER SYNDROME. Identifiers: Orphanet 475, MedGen C5979921, MONDO:0018772.
Nephronophthisis. Also called: Juvenile Nephronophthisis. Identifiers: Orphanet 655, MedGen C0687120, MONDO:0019005, HP:0000090.
Meckel-Gruber syndrome. Also called: DYSENCEPHALIA SPLANCHNOCYSTICA; Dysencephalia splachnocystica; GRUBER SYNDROME. Identifiers: Orphanet 564, MedGen C0265215, MONDO:0018921.

Allele frequency attached by ClinVar (database versions not stated): gnomAD 0.00003; TOPMed 0.00007.
gnomAD v4.1: 105 of 1,574,078 alleles (0.0067%); highest among the groups gnomAD compares: East Asian, 0.039%; no homozygotes.

Submissions (6):

Ambry Genetics
Classification: Uncertain significance for Inborn genetic diseases. Last evaluated: 2024-12-18. Review status: criteria provided, single submitter. Criteria: Ambry Variant Classification Scheme 2023. Collection method: clinical testing. Allele origin: germline.

Blueprint Genetics
Classification: Uncertain significance. Last evaluated: 2024-10-08. Review status: criteria provided, single submitter. Criteria: ACMG Guidelines, 2015. Collection method: clinical testing. Allele origin: germline.

Fulgent Genetics
Classification: Uncertain significance for Joubert syndrome 5; Senior-Loken syndrome 6; Meckel syndrome, type 4; Leber congenital amaurosis 10; Bardet-Biedl syndrome 14. Last evaluated: 2024-05-28. Review status: criteria provided, single submitter. Criteria: ACMG Guidelines, 2015. Collection method: clinical testing. Allele origin: germline.

Labcorp Genetics (formerly Invitae), Labcorp
Classification: Uncertain significance for Joubert syndrome; Meckel-Gruber syndrome; Nephronophthisis. Last evaluated: 2022-09-26. Review status: criteria provided, single submitter. Criteria: Invitae Variant Classification Sherloc (09022015). Collection method: clinical testing. Allele origin: germline.
Comment: This sequence change replaces arginine, which is basic and polar, with cysteine, which is neutral and slightly polar, at codon 557 of the CEP290 protein (p.Arg557Cys). This variant is present in population databases (rs561018129, gnomAD 0.07%). This variant has not been reported in the literature in individuals affected with CEP290-related conditions. ClinVar contains an entry for this variant (Variation ID: 261828). Advanced modeling of protein sequence and biophysical properties (such as structural, functional, and spatial information, amino acid conservation, physicochemical variation, residue mobility, and thermodynamic stability) performed at Invitae indicates that this missense variant is expected to disrupt CEP290 protein function. In summary, the available evidence is currently insufficient to determine the role of this variant in disease. Therefore, it has been classified as a Variant of Uncertain Significance.

Centre for Mendelian Genomics, University Medical Centre Ljubljana
Classification: Uncertain significance for Joubert syndrome 5. Last evaluated: 2019-03-24. Review status: criteria provided, single submitter. Criteria: ACMG Guidelines, 2015. Collection method: clinical testing. Allele origin: unknown. Affected: yes.
Comment: This variant was classified as: Uncertain significance. The following ACMG criteria were applied in classifying this variant: PM1,PM2,PP3.

PreventionGenetics, part of Exact Sciences
Classification: Likely benign. Review status: criteria provided, single submitter. Criteria: ACMG Guidelines, 2015. Collection method: clinical testing. Allele origin: germline.

NM_025114.4(CEP290):c.1669C>T (p.Arg557Cys)

Gene: CEP290 (centrosomal protein 290; minus strand). Cytogenetic location: 12q21.32.
Variant type: single nucleotide variant.
Coding change: c.1669C>T on transcript NM_025114.4 (MANE Select); coding-DNA position 1669, C replaced by T.
Protein change: p.Arg557Cys; replaces arginine 557 with cysteine.
Molecular consequence: missense variant.
Genome position (GRCh38, 1-based): chr12:88,118,525, G>A on the plus strand (C>T on the coding strand, the complement: CEP290 is on the minus strand). VCF-style: chr12-88118525-G-A. GRCh37 (hg19) VCF-style: chr12-88512302-G-A.
Other names: short protein forms R557C.
Identifiers: ClinVar variation 261828 (VCV000261828.11), dbSNP rs561018129, ClinGen allele CA6712494.